The following is an entry in ClinVar:

ClinVar aggregate classification (germline): Uncertain significance (1 of 4 stars; one submission).

gnomAD v4.1: 1 of 1,612,228 alleles (0.000062%); highest among the groups gnomAD compares: Non-Finnish European, 0.000085%; no homozygotes.

Submission:

Labcorp Genetics (formerly Invitae), Labcorp
Classification: Uncertain significance. Last evaluated: 2024-04-12. Review status: criteria provided, single submitter. Criteria: Invitae Variant Classification Sherloc (09022015). Collection method: clinical testing. Allele origin: germline.
Comment: This sequence change replaces isoleucine, which is neutral and non-polar, with threonine, which is neutral and polar, at codon 486 of the KCNH1 protein (p.Ile486Thr). This variant is not present in population databases (gnomAD no frequency). This variant has not been reported in the literature in individuals affected with KCNH1-related conditions. Advanced modeling of protein sequence and biophysical properties (such as structural, functional, and spatial information, amino acid conservation, physicochemical variation, residue mobility, and thermodynamic stability) performed at Invitae indicates that this missense variant is expected to disrupt KCNH1 protein function with a positive predictive value of 95%. In summary, the available evidence is currently insufficient to determine the role of this variant in disease. Therefore, it has been classified as a Variant of Uncertain Significance.

NM_172362.3(KCNH1):c.1457T>C (p.Ile486Thr)

Gene: KCNH1 (potassium voltage-gated channel subfamily H member 1; minus strand). Cytogenetic location: 1q32.2.
Variant type: single nucleotide variant.
Coding change: c.1457T>C on transcript NM_172362.3 (MANE Select); coding-DNA position 1457, T replaced by C.
Protein change: p.Ile486Thr; replaces isoleucine 486 with threonine.
Molecular consequence: missense variant.
Genome position (GRCh38, 1-based): chr1:210,919,645, A>G on the plus strand (T>C on the coding strand, the complement: KCNH1 is on the minus strand). VCF-style: chr1-210919645-A-G. GRCh37 (hg19) VCF-style: chr1-211092987-A-G.
Other names: c.1376T>C, p.Ile459Thr (NM_002238.4); short protein forms I459T, I486T.
Identifiers: ClinVar variation 3631561 (VCV003631561.2).
Genomic context (GRCh38, chr1:210,919,645, plus strand): 5'-TGTTTCCAGCTAACAGAAGAGATGGCCAACCCCACCCCAGCACTGTCATACTTACAGCCA[A>G]TCATCATGATGGCCACTGCAAAGATCTTCTCAATGTCTGTGGATGGGGCGATGTTCCCAA-3'
Protein context (NP_758872.1, residues 476-496): EKIFAVAIMM[Ile486Thr]GSLLYATIFG